The following is an entry in ClinVar:

ClinVar aggregate classification (germline): Likely benign. Review status: criteria provided, single submitter (1 of 4 stars). 2 submissions from 2 submitters: Likely benign (1). 1 of the submissions does not count toward it. Last evaluated 2025-07-10.

Conditions:
Parkinson disease 11, autosomal dominant, susceptibility to. Also called: Parkinson disease 11. Identifiers: Orphanet 411602, MedGen C4083045, MONDO:0011896, OMIM 607688.

Allele frequency attached by ClinVar (database versions not stated): 1000 Genomes Project 30x 0.00031; 1000 Genomes Project 0.00020; TOPMed 0.00030; gnomAD 0.00032.
gnomAD v4.1: 751 of 1,613,646 alleles (0.047%); highest among the groups gnomAD compares: Middle Eastern, 0.12%; 1 homozygote.

Submissions (2):

Mayo Clinic Laboratories, Mayo Clinic
Classification: Likely benign. Last evaluated: 2025-07-10. Review status: criteria provided, single submitter. Criteria: ACMG Guidelines, 2015. Collection method: clinical testing. Allele origin: germline. Observed: 1 variant allele.
Comment: BS2, BP4_moderate

OMIM
Classification: risk factor for PARKINSON DISEASE 11, AUTOSOMAL DOMINANT, SUSCEPTIBILITY TO. Last evaluated: 2009-08-01. Review status: no assertion criteria provided. Collection method: literature only. Allele origin: germline. Not counted in ClinVar's aggregate classification.

Literature cited by the submitters: PubMed 18358451 (cited by Mayo Clinic Laboratories, Mayo Clinic and OMIM); PubMed 19250854 (cited by Mayo Clinic Laboratories, Mayo Clinic and OMIM); PubMed 19279319 (cited by Mayo Clinic Laboratories, Mayo Clinic and OMIM); PubMed 20060621 (cited by Mayo Clinic Laboratories, Mayo Clinic); PubMed 25504046 (cited by Mayo Clinic Laboratories, Mayo Clinic); PubMed 26152800 (cited by Mayo Clinic Laboratories, Mayo Clinic); PubMed 38137339 (cited by Mayo Clinic Laboratories, Mayo Clinic); PubMed 38191580 (cited by Mayo Clinic Laboratories, Mayo Clinic); PubMed 18923002 (cited by OMIM).

NM_001103146.3(GIGYF2):c.1370A>C (p.Asn457Thr)

Gene: GIGYF2 (GRB10 interacting GYF protein 2; plus strand). Cytogenetic location: 2q37.1.
Variant type: single nucleotide variant.
Coding change: c.1370A>C on transcript NM_001103146.3 (MANE Select); coding-DNA position 1370, A replaced by C.
Protein change: p.Asn457Thr; replaces asparagine 457 with threonine.
Molecular consequence: missense variant. On other transcripts: non-coding transcript variant (1).
Genome position (GRCh38, 1-based): chr2:232,794,835, A>C. VCF-style: chr2-232794835-A-C. GRCh37 (hg19) VCF-style: chr2-233659545-A-C.
Other names: c.1433A>C, p.Asn478Thr (NM_001103147.2); c.1352A>C, p.Asn451Thr (NM_001103148.2); c.1370A>C, p.Asn457Thr (NM_015575.4); c.1370A>C (NM_001103146.2); short protein forms N457T, N451T, N478T.
Identifiers: ClinVar variation 754 (VCV000000754.2), dbSNP rs116074753, ClinGen allele CA251591.